The following is an entry in ClinVar:

ClinVar aggregate classification (germline): Benign/Likely benign. Review status: criteria provided, multiple submitters, no conflicts (2 of 4 stars). 5 submissions from 5 submitters: Benign (1); Likely benign (4). Last evaluated 2026-07-01.

Conditions:
CYFIP2-related disorder. Also called: CYFIP2-related condition.
Developmental and epileptic encephalopathy, 65. Also called: EPILEPTIC ENCEPHALOPATHY, EARLY INFANTILE, 65. Identifiers: MedGen C4693925, MONDO:0033374, OMIM 618008.

Allele frequency attached by ClinVar (database versions not stated): 1000 Genomes Project below 0.00001; TOPMed 0.00130; gnomAD 0.00133 and 0.00141; ExAC 0.00146; gnomAD exomes 0.00146 and 0.00215; ESP Exome Variant Server 0.00188.
gnomAD v4.1: 3,313 of 1,612,582 alleles (0.21%); highest among the groups gnomAD compares: Non-Finnish European, 0.25%; 8 homozygotes.

Submissions (5):

CeGaT Center for Human Genetics Tuebingen
Classification: Likely benign. Last evaluated: 2026-07-01. Review status: criteria provided, single submitter. Criteria: CeGaT Center For Human Genetics Tuebingen Variant Classification Criteria Version 2. Collection method: clinical testing. Allele origin: germline. Affected: yes. Observed: 14 variant alleles.
Comment: CYFIP2: BP4, BP7, BS1

Labcorp Genetics (formerly Invitae), Labcorp
Classification: Benign. Last evaluated: 2026-02-02. Review status: criteria provided, single submitter. Criteria: Invitae Variant Classification Sherloc (09022015). Collection method: clinical testing. Allele origin: germline.

PreventionGenetics, part of Exact Sciences
Classification: Likely benign for CYFIP2-related condition. Last evaluated: 2024-12-19. Review status: criteria provided, single submitter. Criteria: ACMG Guidelines, 2015. Collection method: clinical testing. Allele origin: germline.
Comment: This variant is classified as likely benign based on ACMG/AMP sequence variant interpretation guidelines (Richards et al. 2015 PMID: 25741868, with internal and published modifications).

Blueprint Genetics
Classification: Likely benign. Last evaluated: 2024-10-24. Review status: criteria provided, single submitter. Criteria: ACMG Guidelines, 2015. Collection method: clinical testing. Allele origin: germline.

Fulgent Genetics
Classification: Likely benign for Developmental and epileptic encephalopathy, 65. Last evaluated: 2021-12-22. Review status: criteria provided, single submitter. Criteria: ACMG Guidelines, 2015. Collection method: clinical testing. Allele origin: unknown.

NM_001037333.3(CYFIP2):c.438C>T (p.Ala146=)

Gene: CYFIP2 (cytoplasmic FMR1 interacting protein 2; plus strand). Cytogenetic location: 5q33.3.
Variant type: single nucleotide variant.
Coding change: c.438C>T on transcript NM_001037333.3 (MANE Select); coding-DNA position 438, C replaced by T.
Protein change: p.Ala146=; no amino-acid change (alanine 146 retained).
Molecular consequence: synonymous variant.
Genome position (GRCh38, 1-based): chr5:157,300,765, C>T. VCF-style: chr5-157300765-C-T. GRCh37 (hg19) VCF-style: chr5-156727773-C-T.
Other names: c.360C>T, p.Ala120= (NM_001291721.2); c.438C>T, p.Ala146= (NM_001291722.2, NM_014376.4).
Identifiers: ClinVar variation 774179 (VCV000774179.37), dbSNP rs375762537, ClinGen allele CA3533367.